The following is an entry in ClinVar:

ClinVar aggregate classification (germline): Conflicting classifications of pathogenicity. Review status: criteria provided, conflicting classifications (1 of 4 stars). 16 submissions from 16 submitters: Uncertain significance (7); Likely benign (5). 4 of the submissions do not count toward it. Last evaluated 2026-01-10.

Conditions:
PALB2-related disorder. Also called: PALB2-related disorders; PALB2-related condition.
Hereditary cancer-predisposing syndrome. Also called: Neoplastic Syndromes, Hereditary; Tumor predisposition; Hereditary Cancer Syndrome; Hereditary neoplastic syndrome. Identifiers: Orphanet 140162, MedGen C0027672, MeSH D009386, MONDO:0015356.
Carcinoma of colon (CRC). Also called: Colon carcinoma; Colonic carcinoma. Identifiers: MedGen C0699790, MONDO:0002032.
Familial cancer of breast. Also called: hereditary breast carcinoma; BREAST CANCER, FAMILIAL; Hereditary breast cancer. Identifiers: Orphanet 227535, MedGen C0346153, MONDO:0016419, OMIM 114480. Disease mechanism: loss of function.

Allele frequency attached by ClinVar (database versions not stated): ExAC 0.00002; gnomAD 0.00002 and 0.00003; gnomAD exomes 0.00006; TOPMed 0.00006; 1000 Genomes Project 30x 0.00016; 1000 Genomes Project 0.00020.
gnomAD v4.1: 16 of 1,614,192 alleles (0.00099%); highest among the groups gnomAD compares: East Asian, 0.036%; no homozygotes.

Submissions (16):

PreventionGenetics, part of Exact Sciences
Classification: Uncertain significance for PALB2-related condition. Last evaluated: 2026-01-10. Review status: criteria provided, single submitter. Criteria: ACMG Guidelines, 2015. Collection method: clinical testing. Allele origin: germline.
Comment: The PALB2 c.2360C>T variant is predicted to result in the amino acid substitution p.Thr787Ile. This variant has been identified in a cohort of individuals with familial and sporadic breast cancer, along with unaffected controls (Thompson et al. 2015. PubMed ID: 26283626; Zhang et al. 2017. PubMed ID: 28825143; Breast Cancer Association Consortium et al. 2021. PubMed ID: 33471991). This variant is reported in 0.090% of alleles in individuals of East Asian descent in gnomAD and has classifications in ClinVar ranging from uncertain to likely benign (Variation ID: 216745). While we suspect that this variant may be benign, at this time, the clinical significance of this variant is uncertain due to the absence of conclusive functional and genetic evidence.

Labcorp Genetics (formerly Invitae), Labcorp
Classification: Likely benign for Familial cancer of breast. Last evaluated: 2025-12-30. Review status: criteria provided, single submitter. Criteria: Invitae Variant Classification Sherloc (09022015). Collection method: clinical testing. Allele origin: germline.

Blueprint Genetics
Classification: Likely benign. Last evaluated: 2024-05-30. Review status: criteria provided, single submitter. Criteria: ACMG Guidelines, 2015. Collection method: clinical testing. Allele origin: germline.

Women's Health and Genetics/Laboratory Corporation of America, LabCorp
Classification: Likely benign. Last evaluated: 2024-04-22. Review status: criteria provided, single submitter. Criteria: LabCorp Variant Classification Summary - May 2015. Collection method: clinical testing. Allele origin: germline.
Comment: Variant summary: PALB2 c.2360C>T (p.Thr787Ile) results in a non-conservative amino acid change in the encoded protein sequence. Four of five in-silico tools predict a benign effect of the variant on protein function. The variant allele was found at a frequency of 6.4e-05 in 251422 control chromosomes, predominantly at a frequency of 0.00087 within the East Asian subpopulation in the gnomAD database. The observed variant frequency within East Asian control individuals in the gnomAD database is approximately 6 fold of the estimated maximal expected allele frequency for a pathogenic variant in PALB2 causing Breast Cancer phenotype (0.00016), strongly suggesting that the variant is a benign polymorphism found primarily in populations of East Asian origin. c.2360C>T has been reported in the literature in individuals affected with Breast Cancer without strong evidence for causality (Zhang_2017, Thompson_2015). These report(s) do not provide unequivocal conclusions about association of the variant with Breast Cancer. To our knowledge, no experimental evidence demonstrating an impact on protein function has been reported. The following publications have been ascertained in the context of this evaluation (PMID: 26283626, 28825143). ClinVar contains an entry for this variant (Variation ID: 216745). Based on the evidence outlined above, the variant was classified as likely benign.

Quest Diagnostics Nichols Institute San Juan Capistrano
Classification: Uncertain significance. Last evaluated: 2024-04-15. Review status: criteria provided, single submitter. Criteria: Quest Diagnostics criteria. Collection method: clinical testing. Allele origin: unknown.
Comment: The PALB2 c.2360C>T (p.Thr787Ile) variant has been reported in the published literature in individuals affected with breast cancer (PMIDs: 28825143 (2017), 26283626 (2015), 33471991 (2021), see also LOVD) and colorectal cancer (PMID: 28944238 (2017)). This variant was also identified in reportedly healthy individuals (PMID: 33471991 (2021), see also LOVD). The frequency of this variant in the general population, 0.0011 (16/14424 chromosomes (Genome Aggregation Database)), is uninformative in the assessment of its pathogenicity. Analysis of this variant using bioinformatics tools for the prediction of the effect of amino acid changes on protein structure and function yielded predictions that this variant is benign. Based on the available information, we are unable to determine the clinical significance of this variant.

Baylor Genetics
Classification: Uncertain significance for Familial cancer of breast. Last evaluated: 2023-11-03. Review status: criteria provided, single submitter. Criteria: ACMG Guidelines, 2015. Collection method: clinical testing. Allele origin: unknown.

Myriad Genetics, Inc.
Classification: Uncertain significance for Familial cancer of breast. Last evaluated: 2023-03-30. Review status: criteria provided, single submitter. Criteria: Myriad Autosomal Dominant, Autosomal Recessive and X-Linked Classification Criteria (2023). Collection method: clinical testing. Allele origin: unknown.
Comment: This variant is classified as a variant of uncertain significance as there is insufficient evidence to determine its impact on protein function and/or cancer risk.

Ambry Genetics
Classification: Likely benign for Hereditary cancer-predisposing syndrome. Last evaluated: 2023-01-04. Review status: criteria provided, single submitter. Criteria: Ambry Variant Classification Scheme 2023. Collection method: clinical testing. Allele origin: germline.

Sema4
Classification: Uncertain significance for Hereditary cancer-predisposing syndrome. Last evaluated: 2022-01-25. Review status: criteria provided, single submitter. Criteria: Sema4 Curation Guidelines. Collection method: curation. Allele origin: germline.
Comment: The PALB2 c.2360C>T (p.T787I) variant has been reported in heterozygosity in numerous individuals with breast cancer (PMID: 28825143). Functional studies have shown that this variant has no damaging effect (PMID: 28944238, 26283626). It has been reported in a large case-control study of breast cancer in 4/60466 cases and 4/53461 controls (PMID: 33471991). It was observed in East Asian (EAS) chromosomes of the 18/19954 subpopulation in the large and broad cohorts of the Genome Aggregation Database (PMID: 32461654). This variant has been reported in ClinVar (Variation ID 216745). In silico tools suggest the impact of the variant on protein function is benign but no functional studies have been published. The evidence is insufficient to meet ACMG/AMP criteria for classifying the variant as benign or pathogenic. Thus, the clinical significance of this variant is currently uncertain.

GeneDx
Classification: Uncertain significance. Last evaluated: 2019-04-26. Review status: criteria provided, single submitter. Criteria: GeneDx Variant Classification Process June 2021. Collection method: clinical testing. Allele origin: germline. Affected: yes.
Comment: In silico analysis, which includes protein predictors and evolutionary conservation, supports a deleterious effect; Observed in individuals with breast cancer (Thompson 2015, Zhang 2017); This variant is associated with the following publications: (PMID: 25256751, 28825143, 26283626, 25230021)

Color Diagnostics, LLC DBA Color Health
Classification: Likely benign for Hereditary cancer-predisposing syndrome. Last evaluated: 2016-07-18. Review status: criteria provided, single submitter. Criteria: ACMG Guidelines, 2015. Collection method: clinical testing. Allele origin: germline.

Cancer Genetics Laboratory, Peter MacCallum Cancer Centre
Classification: Uncertain significance for Familial cancer of breast. Last evaluated: 2015-06-01. Review status: criteria provided, single submitter. Criteria: Thompson et al. (Breast Cancer Res. 2015). Collection method: case-control. Allele origin: germline. Affected: yes. Observed: 1 variant allele, 1 heterozygote.

Leiden Open Variation Database
Classification: Uncertain significance for Colorectal cancer. Last evaluated: 2017-01-31. Review status: no assertion criteria provided. Collection method: curation. Allele origin: germline. Affected: yes. Not counted in ClinVar's aggregate classification.
Comment: Curators: Marc Tischkowitz, Arleen D. Auerbach. Submitter to LOVD: Melissa DeRycke.

Counsyl
Classification: Uncertain significance for Familial cancer of breast. Last evaluated: 2016-01-24. Review status: no assertion criteria provided. Collection method: clinical testing. Allele origin: unknown. Not counted in ClinVar's aggregate classification.

Joint Genome Diagnostic Labs from Nijmegen and Maastricht, Radboudumc and MUMC+
Classification: Uncertain significance. Review status: no assertion criteria provided. Collection method: clinical testing. Allele origin: germline. Affected: yes. Study: VKGL Data-share Consensus. Not counted in ClinVar's aggregate classification.

Laboratory of Diagnostic Genome Analysis, Leiden University Medical Center (LUMC)
Classification: Uncertain significance. Review status: no assertion criteria provided. Collection method: clinical testing. Allele origin: germline. Affected: yes. Study: VKGL Data-share Consensus. Not counted in ClinVar's aggregate classification.

Literature cited by the submitters: PubMed 26283626 (cited by 5 submitters); PubMed 28825143 (cited by 4 submitters); PubMed 33471991 (cited by Quest Diagnostics Nichols Institute San Juan Capistrano and Sema4); PubMed 28944238 (cited by Quest Diagnostics Nichols Institute San Juan Capistrano and Sema4).

NM_024675.4(PALB2):c.2360C>T (p.Thr787Ile)

Gene: PALB2 (partner and localizer of BRCA2; minus strand). Cytogenetic location: 16p12.2.
Variant type: single nucleotide variant.
Coding change: c.2360C>T on transcript NM_024675.4 (MANE Select); coding-DNA position 2360, C replaced by T.
Protein change: p.Thr787Ile; replaces threonine 787 with isoleucine.
Molecular consequence: missense variant.
Genome position (GRCh38, 1-based): chr16:23,629,794, G>A on the plus strand (C>T on the coding strand, the complement: PALB2 is on the minus strand). VCF-style: chr16-23629794-G-A. GRCh37 (hg19) VCF-style: chr16-23641115-G-A.
Other names: short protein forms T787I.
Identifiers: ClinVar variation 216745 (VCV000216745.36), dbSNP rs201042302, ClinGen allele CA337312.